The following is an entry in ClinVar:

NM_000632.4(ITGAM):c.2589C>G (p.Ser863Arg)

Gene: ITGAM (integrin subunit alpha M; plus strand). Cytogenetic location: 16p11.2.
Variant type: single nucleotide variant.
Coding change: c.2589C>G on transcript NM_000632.4 (MANE Select); coding-DNA position 2589, C replaced by G.
Protein change: p.Ser863Arg; replaces serine 863 with arginine.
Molecular consequence: missense variant.
Genome position (GRCh38, 1-based): chr16:31,325,583, C>G. VCF-style: chr16-31325583-C-G. GRCh37 (hg19) VCF-style: chr16-31336904-C-G.
Other names: c.2592C>G, p.Ser864Arg (NM_001145808.2); short protein forms S863R, S864R.
Identifiers: ClinVar variation 2053520 (VCV002053520.4), dbSNP rs780259055, ClinGen allele CA8025872.
Genomic context (GRCh38, chr16:31,325,583, plus strand): 5'-GCGCCTGGCCTGTGAGTCTGCCTCCTCCACCGAAGTGTCTGGGGCCTTGAAGAGCACCAG[C>G]TGCAGCATAAACCACCCCATCTTCCCGGAAAACTCAGAGGTCAGAACTCCTGGCTCCTCC-3'
Protein context (NP_000623.2, residues 853-873): TEVSGALKST[Ser863Arg]CSINHPIFPE

ClinVar aggregate classification (germline): Uncertain significance (1 of 4 stars; one submission).

Allele frequency attached by ClinVar (database versions not stated): ExAC 0.00002.
gnomAD v4.1: 14 of 1,613,952 alleles (0.00087%); highest among the groups gnomAD compares: Middle Eastern, 0.066%; no homozygotes.

Submission:

Labcorp Genetics (formerly Invitae), Labcorp
Classification: Uncertain significance. Last evaluated: 2025-04-03. Review status: criteria provided, single submitter. Criteria: Invitae Variant Classification Sherloc (09022015). Collection method: clinical testing. Allele origin: germline.
Comment: This sequence change replaces serine, which is neutral and polar, with arginine, which is basic and polar, at codon 863 of the ITGAM protein (p.Ser863Arg). This variant is present in population databases (rs780259055, gnomAD 0.004%). This variant has not been reported in the literature in individuals affected with ITGAM-related conditions. ClinVar contains an entry for this variant (Variation ID: 2053520). An algorithm developed to predict the effect of missense changes on protein structure and function outputs the following: PolyPhen-2: "Benign". The arginine amino acid residue is found in multiple mammalian species, which suggests that this missense change does not adversely affect protein function. In summary, the available evidence is currently insufficient to determine the role of this variant in disease. Therefore, it has been classified as a Variant of Uncertain Significance.